The following is an entry in ClinVar:

ClinVar aggregate classification (germline): Pathogenic. Review status: criteria provided, single submitter (1 of 4 stars). 2 submissions from 2 submitters: Pathogenic (1). 1 of the submissions does not count toward it.

Conditions:
Tay-Sachs disease (TSD). Also called: HEXA DEFICIENCY; GM2 gangliosidosis, type 1; Hexosaminidase alpha-subunit deficiency (variant B); Sphingolipidosis, Tay-Sachs; Hexosaminidase A Deficiency; HEXA Disorders. Identifiers: Orphanet 845, MedGen C0039373, MONDO:0010100, OMIM 272800.

Submissions (2):

Kasturba Medical College, Manipal, Kasturba Medical College, Manipal, Manipal Academy of Higher Education, Manipal, India
Classification: Pathogenic for Tay-Sachs disease. Review status: criteria provided, single submitter. Criteria: ACMG Guidelines, 2015. Collection method: clinical testing. Allele origin: inherited. Affected: yes.

Foundation for Research in Genetics and Endocrinology, FRIGE's Institute of Human Genetics
Classification: Likely pathogenic for Tay-Sachs disease. Last evaluated: 2016-02-15. Review status: no assertion criteria provided. Collection method: research. Allele origin: germline. Inheritance: Autosomal recessive inheritance. Affected: yes. Observed: 1 homozygote. Not counted in ClinVar's aggregate classification.
Comment: Variant was found to be pathogenic by online software Mutation Taster

NM_000520.6(HEXA):c.1349del (p.Ala450fs)

Gene: HEXA (hexosaminidase subunit alpha; minus strand). Cytogenetic location: 15q23.
Variant type: Deletion.
Coding change: c.1349del on transcript NM_000520.6 (MANE Select); coding-DNA position 1349, one base deleted (C; older notation c.1349delC).
Protein change: p.Ala450fs; shifts the reading frame from alanine 450.
Molecular consequence: frameshift variant. On other transcripts: non-coding transcript variant (1).
Genome position (GRCh38, 1-based): chr15:72,346,307, G deleted on the plus strand (C on the coding strand, the reverse complement: HEXA is on the minus strand). VCF-style (leftmost placement, unchanged base first): chr15-72346306-AG-A. GRCh37 (hg19) VCF-style: chr15-72638647-AG-A.
Other names: c.1382del, p.Ala461fs (NM_001318825.2); short protein forms A461fs, A450fs.
Identifiers: ClinVar variation 375362 (VCV000375362.4), dbSNP rs1057519466, ClinGen allele CA16044199.